The following is an entry in ClinVar:

ClinVar aggregate classification (germline): Uncertain significance (1 of 4 stars; one submission).

Conditions:
PCNT-related disorder. Also called: PCNT-related condition.

Submission:

PreventionGenetics, part of Exact Sciences
Classification: Uncertain significance for PCNT-related condition. Last evaluated: 2026-01-11. Review status: criteria provided, single submitter. Criteria: ACMG Guidelines, 2015. Collection method: clinical testing. Allele origin: germline.
Comment: The PCNT c.1163G>C variant is predicted to result in the amino acid substitution p.Arg388Thr. To our knowledge, this variant has not been reported in the literature or in a large population database (gnomAD), indicating this variant is rare. At this time, the clinical significance of this variant is uncertain due to the absence of conclusive functional and genetic evidence.

NM_006031.6(PCNT):c.1163G>C (p.Arg388Thr)

Gene: PCNT (pericentrin; plus strand). Cytogenetic location: 21q22.3.
Variant type: single nucleotide variant.
Coding change: c.1163G>C on transcript NM_006031.6 (MANE Select); coding-DNA position 1163, G replaced by C.
Protein change: p.Arg388Thr; replaces arginine 388 with threonine.
Molecular consequence: missense variant.
Genome position (GRCh38, 1-based): chr21:46,349,142, G>C. VCF-style: chr21-46349142-G-C. GRCh37 (hg19) VCF-style: chr21-47769056-G-C.
Other names: c.809G>C, p.Arg270Thr (NM_001315529.2); short protein forms R270T, R388T.
Identifiers: ClinVar variation 4996306 (VCV004996306.1).